The following is an entry in ClinVar:

NM_002234.4(KCNA5):c.1674G>A (p.Gly558=)

Gene: KCNA5 (potassium voltage-gated channel subfamily A member 5; plus strand). Cytogenetic location: 12p13.32.
Variant type: single nucleotide variant.
Coding change: c.1674G>A on transcript NM_002234.4 (MANE Select); coding-DNA position 1674, G replaced by A.
Protein change: p.Gly558=; no amino-acid change (glycine 558 retained).
Molecular consequence: synonymous variant.
Genome position (GRCh38, 1-based): chr12:5,045,821, G>A. VCF-style: chr12-5045821-G-A. GRCh37 (hg19) VCF-style: chr12-5154987-G-A.
Identifiers: ClinVar variation 3628372 (VCV003628372.2).

ClinVar aggregate classification (germline): Uncertain significance (1 of 4 stars; one submission).

Conditions:
Atrial fibrillation, familial, 7 (ATFB7). Identifiers: MedGen C2677106, MONDO:0012828, OMIM 612240.

Submission:

Labcorp Genetics (formerly Invitae), Labcorp
Classification: Uncertain significance for Atrial fibrillation, familial, 7. Last evaluated: 2025-04-18. Review status: criteria provided, single submitter. Criteria: Invitae Variant Classification Sherloc (09022015). Collection method: clinical testing. Allele origin: germline.
Comment: This sequence change affects codon 558 of the KCNA5 mRNA. It is a 'silent' change, meaning that it does not change the encoded amino acid sequence of the KCNA5 protein. This variant is not present in population databases (gnomAD no frequency). This variant has not been reported in the literature in individuals affected with KCNA5-related conditions. ClinVar contains an entry for this variant (Variation ID: 3628372). In summary, the available evidence is currently insufficient to determine the role of this variant in disease. Therefore, it has been classified as a Variant of Uncertain Significance.